The following is an entry in ClinVar:

ClinVar aggregate classification (germline): Uncertain significance (1 of 4 stars; one submission).

Conditions:
Neuronopathy, distal hereditary motor, type 7B. Also called: HMN VIIB; LOWER MOTOR NEURON DISEASE, DYNACTIN TYPE; NEURONOPATHY, DISTAL HEREDITARY MOTOR, AUTOSOMAL DOMINANT 14; NEURONOPATHY, DISTAL HEREDITARY MOTOR, HARDING TYPE VIIB; NEUROPATHY, DISTAL HEREDITARY MOTOR, HARDING TYPE VIIB; NEUROPATHY, DISTAL HEREDITARY MOTOR, WITH VOCAL CORD PARALYSIS, HARDING TYPE VIIB. Identifiers: Orphanet 139589, MedGen C1843315, MONDO:0011879, OMIM 607641.

Allele frequency attached by ClinVar (database versions not stated): gnomAD exomes below 0.00001; gnomAD 0.00001.
gnomAD v4.1: 2 of 1,614,100 alleles (0.00012%); highest among the groups gnomAD compares: East Asian, 0.0022%; no homozygotes.

Submission:

Baylor Genetics
Classification: Uncertain significance for Neuronopathy, distal hereditary motor, type 7B. Last evaluated: 2019-09-06. Review status: criteria provided, single submitter. Criteria: ACMG Guidelines, 2015. Collection method: clinical testing. Allele origin: unknown. Affected: yes.
Comment: This variant was determined to be of uncertain significance according to ACMG Guidelines, 2015 [PMID:25741868].

NM_004082.5(DCTN1):c.1600C>G (p.Leu534Val)

Gene: DCTN1 (dynactin subunit 1; minus strand). Cytogenetic location: 2p13.1.
Variant type: single nucleotide variant.
Coding change: c.1600C>G on transcript NM_004082.5 (MANE Select); coding-DNA position 1600, C replaced by G.
Protein change: p.Leu534Val; replaces leucine 534 with valine.
Molecular consequence: missense variant. On other transcripts: non-coding transcript variant (1).
Genome position (GRCh38, 1-based): chr2:74,369,199, G>C on the plus strand (C>G on the coding strand, the complement: DCTN1 is on the minus strand). VCF-style: chr2-74369199-G-C. GRCh37 (hg19) VCF-style: chr2-74596326-G-C.
Other names: c.1540C>G, p.Leu514Val (NM_001135040.3); c.1198C>G, p.Leu400Val (NM_001135041.3, NM_023019.4); c.1489C>G, p.Leu497Val (NM_001190836.2); c.1579C>G, p.Leu527Val (NM_001190837.2); c.1549C>G, p.Leu517Val (NM_001378991.1); c.1531C>G, p.Leu511Val (NM_001378992.1); short protein forms L517V, L534V, L400V, L497V, L511V, L514V, L527V.
Identifiers: ClinVar variation 1028193 (VCV001028193.1), dbSNP rs1411399793, ClinGen allele CA347357226.